The following is an entry in ClinVar:

NM_004463.3(FGD1):c.1556G>A (p.Arg519His)

Gene: FGD1 (FYVE, RhoGEF and PH domain containing 1; minus strand). Cytogenetic location: Xp11.22.
Variant type: single nucleotide variant.
Coding change: c.1556G>A on transcript NM_004463.3 (MANE Select); coding-DNA position 1556, G replaced by A.
Protein change: p.Arg519His; replaces arginine 519 with histidine.
Molecular consequence: missense variant.
Genome position (GRCh38, 1-based): chrX:54,465,531, C>T on the plus strand (G>A on the coding strand, the complement: FGD1 is on the minus strand). VCF-style: chrX-54465531-C-T. GRCh37 (hg19) VCF-style: chrX-54491964-C-T.
Other names: short protein forms R519H.
Identifiers: ClinVar variation 95081 (VCV000095081.18), dbSNP rs398124157, ClinGen allele CA222713.
Genomic context (GRCh38, chrX:54,465,531, plus strand): 5'-GGGGAGCCATGGGGCAGCTTTAACAGATAGTCCTTGAGAAGAAGCTCATAGCGGGGGATG[C>T]GCTGCACAGGCTCCAGCATGTGGTGCTGCAATGTCAGGTTGCCACAGGCTTCCTCCTTCT-3'
Protein context (NP_004454.2, residues 509-529): LQHHMLEPVQ[Arg519His]IPRYELLLKD

ClinVar aggregate classification (germline): Conflicting classifications of pathogenicity. Review status: criteria provided, conflicting classifications (1 of 4 stars). 5 submissions from 5 submitters: Likely pathogenic (2); Uncertain significance (3). Last evaluated 2024-12-14.

Conditions:
FGD1-related disorder. Also called: FGD1-related disorders; FGD1-related condition.
History of neurodevelopmental disorder. Identifiers: MedGen C2711754.

Submissions (5):

GeneDx
Classification: Likely pathogenic. Last evaluated: 2024-12-14. Review status: criteria provided, single submitter. Criteria: GeneDx Variant Classification Process June 2021. Collection method: clinical testing. Allele origin: germline. Affected: yes.
Comment: Observed in hemizygous state in a patient from a cohort of critically ill patients in the literature, however, no specific clinical information was provided (PMID: 38259611); Not observed at significant frequency in large population cohorts (gnomAD); In silico analysis supports that this missense variant has a deleterious effect on protein structure/function; This variant is associated with the following publications: (PMID: 27199457, 38259611)

PreventionGenetics, part of Exact Sciences
Classification: Likely pathogenic for FGD1-related condition. Last evaluated: 2024-12-04. Review status: criteria provided, single submitter. Criteria: ACMG Guidelines, 2015. Collection method: clinical testing. Allele origin: germline.
Comment: The FGD1 c.1556G>A variant is predicted to result in the amino acid substitution p.Arg519His. At PreventionGenetics, we have detected this variant in several affected male patients with clinical features of Aarskog-Scott syndrome (internal data). Additionally, a different missense change impacting the same amino acid (p.Arg519Cys) has been reported in affected individuals undergoing FGD1-testing at PreventionGenetics (internal data). This variant is interpreted as likely pathogenic.

Labcorp Genetics (formerly Invitae), Labcorp
Classification: Uncertain significance. Last evaluated: 2023-06-30. Review status: criteria provided, single submitter. Criteria: Invitae Variant Classification Sherloc (09022015). Collection method: clinical testing. Allele origin: germline.
Comment: Advanced modeling of protein sequence and biophysical properties (such as structural, functional, and spatial information, amino acid conservation, physicochemical variation, residue mobility, and thermodynamic stability) performed at Invitae indicates that this missense variant is expected to disrupt FGD1 protein function. ClinVar contains an entry for this variant (Variation ID: 95081). This missense change has been observed in individual(s) with clinical features of Aarskog-Scott syndrome (Invitae). This variant is not present in population databases (gnomAD no frequency). This sequence change replaces arginine, which is basic and polar, with histidine, which is basic and polar, at codon 519 of the FGD1 protein (p.Arg519His). In summary, the available evidence is currently insufficient to determine the role of this variant in disease. Therefore, it has been classified as a Variant of Uncertain Significance.

Ambry Genetics
Classification: Uncertain significance for History of neurodevelopmental disorder. Last evaluated: 2013-06-10. Review status: criteria provided, single submitter. Criteria: Ambry Autosomal Dominant and X-Linked criteria (10/2015). Collection method: clinical testing. Allele origin: germline. Observed: 1 variant allele.
Comment: There is insufficient or conflicting evidence for classification of this alteration.

Eurofins Ntd Llc (ga)
Classification: Uncertain significance. Last evaluated: 2013-05-06. Review status: criteria provided, single submitter. Criteria: EGL Classification Definitions 2015. Collection method: clinical testing. Allele origin: germline. Observed: 2 variant alleles, 2 hemizygotes.